The following is an entry in ClinVar:

NM_000379.4(XDH):c.3432G>T (p.Glu1144Asp)

Gene: XDH (xanthine dehydrogenase; minus strand). Cytogenetic location: 2p23.1.
Variant type: single nucleotide variant.
Coding change: c.3432G>T on transcript NM_000379.4 (MANE Select); coding-DNA position 3432, G replaced by T.
Protein change: p.Glu1144Asp; replaces glutamic acid 1144 with aspartic acid.
Molecular consequence: missense variant.
Genome position (GRCh38, 1-based): chr2:31,342,270, C>A on the plus strand (G>T on the coding strand, the complement: XDH is on the minus strand). VCF-style: chr2-31342270-C-A. GRCh37 (hg19) VCF-style: chr2-31565136-C-A.
Other names: short protein forms E1144D.
Identifiers: ClinVar variation 1412351 (VCV001412351.8), dbSNP rs200349996, ClinGen allele CA1598381.

ClinVar aggregate classification (germline): Uncertain significance (1 of 4 stars; one submission).

Conditions:
Xanthinuria type II. Also called: Xanthine dehydrogenase and aldehyde oxidase combined deficiency of; XDH and AOX dual deficiency. Identifiers: Orphanet 3467, Orphanet 93602, MedGen C1863688, MONDO:0011346, OMIM 603592.

Allele frequency attached by ClinVar (database versions not stated): TOPMed below 0.00001; ExAC 0.00001; gnomAD exomes 0.00001.
gnomAD v4.1: 55 of 1,614,118 alleles (0.0034%); highest among the groups gnomAD compares: Non-Finnish European, 0.0047%; no homozygotes.

Submission:

Labcorp Genetics (formerly Invitae), Labcorp
Classification: Uncertain significance for Xanthinuria type II. Last evaluated: 2023-11-15. Review status: criteria provided, single submitter. Criteria: Invitae Variant Classification Sherloc (09022015). Collection method: clinical testing. Allele origin: germline.
Comment: This sequence change replaces glutamic acid, which is acidic and polar, with aspartic acid, which is acidic and polar, at codon 1144 of the XDH protein (p.Glu1144Asp). This variant is present in population databases (rs200349996, gnomAD 0.002%). This variant has not been reported in the literature in individuals affected with XDH-related conditions. ClinVar contains an entry for this variant (Variation ID: 1412351). An algorithm developed to predict the effect of missense changes on protein structure and function (PolyPhen-2) suggests that this variant is likely to be tolerated. In summary, the available evidence is currently insufficient to determine the role of this variant in disease. Therefore, it has been classified as a Variant of Uncertain Significance.